The following is an entry in ClinVar:

NM_004548.3(NDUFB10):c.247G>A (p.Glu83Lys)

Gene: NDUFB10 (NADH:ubiquinone oxidoreductase subunit B10; plus strand). Cytogenetic location: 16p13.3.
Variant type: single nucleotide variant.
Coding change: c.247G>A on transcript NM_004548.3 (MANE Select); coding-DNA position 247, G replaced by A.
Protein change: p.Glu83Lys; replaces glutamic acid 83 with lysine.
Molecular consequence: missense variant.
Genome position (GRCh38, 1-based): chr16:1,961,269, G>A. VCF-style: chr16-1961269-G-A. GRCh37 (hg19) VCF-style: chr16-2011270-G-A.
Other names: short protein forms E83K.
Identifiers: ClinVar variation 3613120 (VCV003613120.2).
Genomic context (GRCh38, chr16:1,961,269, plus strand): 5'-CGCCGCGTGCCAGACATCACTGAGTGCAAGGAGGAGGACATCATGTGCATGTATGAAGCC[G>A]AAATGCAGTGGAAGAGGGACTAGTACGTGAGCCATGCTGGGAGTGTGGAGATCTGCACCG-3'
Protein context (NP_004539.1, residues 73-93): EEDIMCMYEA[Glu83Lys]MQWKRDYKVD

ClinVar aggregate classification (germline): Uncertain significance (1 of 4 stars; one submission).

gnomAD v4.1: 39 of 1,613,902 alleles (0.0024%); highest among the groups gnomAD compares: Non-Finnish European, 0.0031%; no homozygotes.

Submission:

Labcorp Genetics (formerly Invitae), Labcorp
Classification: Uncertain significance. Last evaluated: 2024-10-30. Review status: criteria provided, single submitter. Criteria: Invitae Variant Classification Sherloc (09022015). Collection method: clinical testing. Allele origin: germline.
Comment: This sequence change replaces glutamic acid, which is acidic and polar, with lysine, which is basic and polar, at codon 83 of the NDUFB10 protein (p.Glu83Lys). This variant is present in population databases (rs200337356, gnomAD 0.005%). This variant has not been reported in the literature in individuals affected with NDUFB10-related conditions. An algorithm developed to predict the effect of missense changes on protein structure and function (PolyPhen-2) suggests that this variant is likely to be disruptive. In summary, the available evidence is currently insufficient to determine the role of this variant in disease. Therefore, it has been classified as a Variant of Uncertain Significance.